The following is an entry in ClinVar:

ClinVar aggregate classification (germline): Uncertain significance (1 of 4 stars; one submission).

Submission:

Ambry Genetics
Classification: Uncertain significance. Last evaluated: 2025-04-11. Review status: criteria provided, single submitter. Criteria: Ambry Variant Classification Scheme 2023. Collection method: clinical testing. Allele origin: germline.
Comment: The p.Q597H variant (also known as c.1791G>C), located in coding exon 18 of the SRP72 gene, results from a G to C substitution at nucleotide position 1791. The glutamine at codon 597 is replaced by histidine, an amino acid with highly similar properties. This amino acid position is conserved. In addition, the in silico prediction for this alteration is inconclusive. Based on the available evidence, the clinical significance of this variant remains unclear.

NM_006947.4(SRP72):c.1791G>C (p.Gln597His)

Gene: SRP72 (signal recognition particle 72; plus strand). Cytogenetic location: 4q12.
Variant type: single nucleotide variant.
Coding change: c.1791G>C on transcript NM_006947.4 (MANE Select); coding-DNA position 1791, G replaced by C.
Protein change: p.Gln597His; replaces glutamine 597 with histidine.
Molecular consequence: missense variant. On other transcripts: non-coding transcript variant (1).
Genome position (GRCh38, 1-based): chr4:56,500,648, G>C. VCF-style: chr4-56500648-G-C. GRCh37 (hg19) VCF-style: chr4-57366814-G-C.
Other names: c.1608G>C, p.Gln536His (NM_001267722.2); short protein forms Q536H, Q597H.
Identifiers: ClinVar variation 3962064 (VCV003962064.1).